The following is an entry in ClinVar:

NM_001099271.2(POC5):c.20A>G (p.Lys7Arg)

Gene: POC5 (POC5 centriolar protein; minus strand). Cytogenetic location: 5q13.3.
Variant type: single nucleotide variant.
Coding change: c.20A>G on transcript NM_001099271.2 (MANE Select); coding-DNA position 20, A replaced by G.
Protein change: p.Lys7Arg; replaces lysine 7 with arginine.
Molecular consequence: missense variant.
Genome position (GRCh38, 1-based): chr5:75,712,918, T>C on the plus strand (A>G on the coding strand, the complement: POC5 is on the minus strand). VCF-style: chr5-75712918-T-C. GRCh37 (hg19) VCF-style: chr5-75008743-T-C.
Other names: short protein forms K7R.
Identifiers: ClinVar variation 2776449 (VCV002776449.3), dbSNP rs2478984650, ClinGen allele CA360151879.
Genomic context (GRCh38, chr5:75,712,918, plus strand): 5'-AGATTCGAAGAGACAGAACTGCCTCGACTGGAGTCATTTTGCACAACTGGAAGTGAGTAT[T>C]TCTCCTCATCTGATGACATTCTGCACAAATGCTCTAAAACAGTAGAAGCTAACTTTAGCT-3'
Protein context (NP_001092741.1, residues 1-17): MSSDEE[Lys7Arg]YSLPVVQNDS

ClinVar aggregate classification (germline): Uncertain significance (1 of 4 stars; one submission).

Submission:

Labcorp Genetics (formerly Invitae), Labcorp
Classification: Uncertain significance. Last evaluated: 2023-12-12. Review status: criteria provided, single submitter. Criteria: Invitae Variant Classification Sherloc (09022015). Collection method: clinical testing. Allele origin: germline.
Comment: This sequence change replaces lysine, which is basic and polar, with arginine, which is basic and polar, at codon 7 of the POC5 protein (p.Lys7Arg). This variant is not present in population databases (gnomAD no frequency). This variant has not been reported in the literature in individuals affected with POC5-related conditions. Algorithms developed to predict the effect of missense changes on protein structure and function output the following: SIFT: "Not Available"; PolyPhen-2: "Possibly Damaging"; Align-GVGD: "Not Available". The arginine amino acid residue is found in multiple mammalian species, which suggests that this missense change does not adversely affect protein function. In summary, the available evidence is currently insufficient to determine the role of this variant in disease. Therefore, it has been classified as a Variant of Uncertain Significance.